The following is an entry in ClinVar:

NM_002335.4(LRP5):c.509G>T (p.Trp170Leu)

Gene: LRP5 (LDL receptor related protein 5; plus strand). Cytogenetic location: 11q13.2.
Variant type: single nucleotide variant.
Coding change: c.509G>T on transcript NM_002335.4 (MANE Select); coding-DNA position 509, G replaced by T.
Protein change: p.Trp170Leu; replaces tryptophan 170 with leucine.
Molecular consequence: missense variant. On other transcripts: 5 prime UTR variant (1).
Genome position (GRCh38, 1-based): chr11:68,357,670, G>T. VCF-style: chr11-68357670-G-T. GRCh37 (hg19) VCF-style: chr11-68125138-G-T.
Other names: c.-1257G>T (NM_001291902.2); short protein forms W170L.
Identifiers: ClinVar variation 2737711 (VCV002737711.4), dbSNP rs1174352982, ClinGen allele CA381611677.

ClinVar aggregate classification (germline): Uncertain significance. Review status: criteria provided, multiple submitters, no conflicts (2 of 4 stars). 2 submissions from 2 submitters: Uncertain significance (2). Last evaluated 2024-03-04.

Allele frequency attached by ClinVar (database versions not stated): gnomAD exomes below 0.00001.
gnomAD v4.1: 1 of 1,614,080 alleles (0.000062%); highest among the groups gnomAD compares: East Asian, 0.0022%; no homozygotes.

Submissions (2):

Blueprint Genetics
Classification: Uncertain significance. Last evaluated: 2024-03-04. Review status: criteria provided, single submitter. Criteria: ACMG Guidelines, 2015. Collection method: clinical testing. Allele origin: germline.

Labcorp Genetics (formerly Invitae), Labcorp
Classification: Uncertain significance. Last evaluated: 2023-07-07. Review status: criteria provided, single submitter. Criteria: Invitae Variant Classification Sherloc (09022015). Collection method: clinical testing. Allele origin: germline.
Comment: Advanced modeling of protein sequence and biophysical properties (such as structural, functional, and spatial information, amino acid conservation, physicochemical variation, residue mobility, and thermodynamic stability) performed at Invitae indicates that this missense variant is expected to disrupt LRP5 protein function. In summary, the available evidence is currently insufficient to determine the role of this variant in disease. Therefore, it has been classified as a Variant of Uncertain Significance. This variant has not been reported in the literature in individuals affected with LRP5-related conditions. The frequency data for this variant in the population databases is considered unreliable, as metrics indicate poor data quality at this position in the gnomAD database. This sequence change replaces tryptophan, which is neutral and slightly polar, with leucine, which is neutral and non-polar, at codon 170 of the LRP5 protein (p.Trp170Leu).